The following is an entry in ClinVar:

NM_002863.5(PYGL):c.2187A>G (p.Ala729=)

Gene: PYGL (glycogen phosphorylase L; minus strand). Cytogenetic location: 14q22.1.
Variant type: single nucleotide variant.
Coding change: c.2187A>G on transcript NM_002863.5 (MANE Select); coding-DNA position 2187, A replaced by G.
Protein change: p.Ala729=; no amino-acid change (alanine 729 retained).
Molecular consequence: synonymous variant.
Genome position (GRCh38, 1-based): chr14:50,908,946, T>C on the plus strand (A>G on the coding strand, the complement: PYGL is on the minus strand). VCF-style: chr14-50908946-T-C. GRCh37 (hg19) VCF-style: chr14-51375664-T-C.
Other names: c.2085A>G, p.Ala695= (NM_001163940.2).
Identifiers: ClinVar variation 3048004 (VCV003048004.2), dbSNP rs766339005, ClinGen allele CA486374367.

ClinVar aggregate classification (germline): Likely benign (0 of 4 stars; one submission).

Conditions:
PYGL-related disorder. Also called: PYGL-related condition.

Allele frequency attached by ClinVar (database versions not stated): TOPMed below 0.00001; gnomAD 0.00001.
gnomAD v4.1: 2 of 1,448,720 alleles (0.00014%); highest among the groups gnomAD compares: African/African-American, 0.0029%; no homozygotes.

Submission:

PreventionGenetics, part of Exact Sciences
Classification: Likely benign for PYGL-related condition. Last evaluated: 2022-05-26. Review status: no assertion criteria provided. Collection method: clinical testing. Allele origin: germline.
Comment: This variant is classified as likely benign based on ACMG/AMP sequence variant interpretation guidelines (Richards et al. 2015 PMID: 25741868, with internal and published modifications).